The following is an entry in ClinVar:

ClinVar aggregate classification (germline): Uncertain significance. Review status: criteria provided, multiple submitters, no conflicts (2 of 4 stars). 2 submissions from 2 submitters: Uncertain significance (2). Last evaluated 2025-11-05.

Conditions:
Perlman syndrome (PRLMNS). Identifiers: Orphanet 2849, MedGen C0796113, MONDO:0009965, OMIM 267000.

Allele frequency attached by ClinVar (database versions not stated): gnomAD exomes below 0.00001; TOPMed below 0.00001.
gnomAD v4.1: 6 of 1,610,764 alleles (0.00037%); highest among the groups gnomAD compares: Non-Finnish European, 0.00042%; no homozygotes.

Submissions (2):

Labcorp Genetics (formerly Invitae), Labcorp
Classification: Uncertain significance for Perlman syndrome. Last evaluated: 2025-11-05. Review status: criteria provided, single submitter. Criteria: Invitae Variant Classification Sherloc (09022015). Collection method: clinical testing. Allele origin: germline.
Comment: This sequence change replaces alanine, which is neutral and non-polar, with threonine, which is neutral and polar, at codon 717 of the DIS3L2 protein (p.Ala717Thr). This variant is not present in population databases (gnomAD no frequency). This variant has not been reported in the literature in individuals affected with DIS3L2-related conditions. ClinVar contains an entry for this variant (Variation ID: 854346). Invitae Evidence Modeling of protein sequence and biophysical properties (such as structural, functional, and spatial information, amino acid conservation, physicochemical variation, residue mobility, and thermodynamic stability) indicates that this missense variant is not expected to disrupt DIS3L2 protein function with a negative predictive value of 80%. In summary, the available evidence is currently insufficient to determine the role of this variant in disease. Therefore, it has been classified as a Variant of Uncertain Significance.

Sema4
Classification: Uncertain significance for Perlman syndrome. Last evaluated: 2022-01-20. Review status: criteria provided, single submitter. Criteria: Sema4 Curation Guidelines. Collection method: curation. Allele origin: germline.
Comment: The DIS3L2 c.2149G>A (p.A717T) variant has not been reported in the literature to our knowledge. It was not observed in the large and broad cohorts of the Genome Aggregation Database (PMID: 32461654). It has been reported in ClinVar (ID 854346). Functional studies have not been performed, and in silico predictions of the variant's effect on protein function are inconclusive. The evidence is insufficient to meet ACMG/AMP criteria for classifying the variant as benign or pathogenic. Thus, the clinical significance of this variant is currently uncertain.

NM_152383.5(DIS3L2):c.2149G>A (p.Ala717Thr)

Gene: DIS3L2 (DIS3 like 3'-5' exoribonuclease 2; plus strand). Cytogenetic location: 2q37.1.
Variant type: single nucleotide variant.
Coding change: c.2149G>A on transcript NM_152383.5 (MANE Select); coding-DNA position 2149, G replaced by A.
Protein change: p.Ala717Thr; replaces alanine 717 with threonine.
Molecular consequence: missense variant. On other transcripts: non-coding transcript variant (2), intron variant (1).
Genome position (GRCh38, 1-based): chr2:232,333,978, G>A. VCF-style: chr2-232333978-G-A. GRCh37 (hg19) VCF-style: chr2-233198688-G-A.
Other names: c.1582-9367G>A (NM_001257281.2); short protein forms A717T.
Identifiers: ClinVar variation 854346 (VCV000854346.10), dbSNP rs1695854707, ClinGen allele CA350977575.
Genomic context (GRCh38, chr2:232,333,978, plus strand): 5'-ACACACTTCACCTCGCCCATCCGCCGCTTTGCCGACGTCCTGGTGCACCGCCTCCTGGCT[G>A]CCGCGTTAGGTGAGGGGTGCAGTCGGGGTCAGGGCAGACCTGGGCCAGCTCAGGGCTGCC-3'
Protein context (NP_689596.4, residues 707-727): ADVLVHRLLA[Ala717Thr]ALGYRERLDM